The following is an entry in ClinVar:

NM_000784.4(CYP27A1):c.277G>A (p.Gly93Ser)

Gene: CYP27A1 (cytochrome P450 family 27 subfamily A member 1; plus strand). Cytogenetic location: 2q35.
Variant type: single nucleotide variant.
Coding change: c.277G>A on transcript NM_000784.4 (MANE Select); coding-DNA position 277, G replaced by A.
Protein change: p.Gly93Ser; replaces glycine 93 with serine.
Molecular consequence: missense variant.
Genome position (GRCh38, 1-based): chr2:218,809,598, G>A. VCF-style: chr2-218809598-G-A. GRCh37 (hg19) VCF-style: chr2-219674321-G-A.
Other names: short protein forms G93S.
Identifiers: ClinVar variation 4529823 (VCV004529823.2).

ClinVar aggregate classification (germline): Uncertain significance. Review status: criteria provided, multiple submitters, no conflicts (2 of 4 stars). 2 submissions from 2 submitters: Uncertain significance (2). Last evaluated 2025-05-13.

Conditions:
CYP27A1-related disorder. Also called: CYP27A1-related condition.

Submissions (2):

GeneDx
Classification: Uncertain significance. Last evaluated: 2025-05-13. Review status: criteria provided, single submitter. Criteria: GeneDx Variant Classification Process June 2021. Collection method: clinical testing. Allele origin: germline. Affected: yes.
Comment: Not observed at significant frequency in large population cohorts (gnomAD); In silico analysis supports that this missense variant has a deleterious effect on protein structure/function; Has not been previously published as pathogenic or benign to our knowledge

PreventionGenetics, part of Exact Sciences
Classification: Uncertain significance for CYP27A1-related condition. Last evaluated: 2025-03-20. Review status: criteria provided, single submitter. Criteria: ACMG Guidelines, 2015. Collection method: clinical testing. Allele origin: germline.
Comment: The CYP27A1 c.277G>A variant is predicted to result in the amino acid substitution p.Gly93Ser. To our knowledge, this variant has not been reported in the literature. This variant is reported in 0.0062% of alleles in individuals of African descent in gnomAD. At this time, the clinical significance of this variant is uncertain due to the absence of conclusive functional and genetic evidence.